The following is an entry in ClinVar:

NM_020297.4(ABCC9):c.1142T>C (p.Ile381Thr)

Gene: ABCC9 (ATP binding cassette subfamily C member 9; minus strand). Cytogenetic location: 12p12.1.
Variant type: single nucleotide variant.
Coding change: c.1142T>C on transcript NM_020297.4 (MANE Select); coding-DNA position 1142, T replaced by C.
Protein change: p.Ile381Thr; replaces isoleucine 381 with threonine.
Molecular consequence: missense variant.
Genome position (GRCh38, 1-based): chr12:21,910,848, A>G on the plus strand (T>C on the coding strand, the complement: ABCC9 is on the minus strand). VCF-style: chr12-21910848-A-G. GRCh37 (hg19) VCF-style: chr12-22063782-A-G.
Other names: c.1142T>C, p.Ile381Thr (NM_001377273.1, NM_005691.4); c.278T>C, p.Ile93Thr (NM_001377274.1); short protein forms I381T, I93T.
Identifiers: ClinVar variation 2783020 (VCV002783020.3), dbSNP rs397517181, ClinGen allele CA384119337.
Genomic context (GRCh38, chr12:21,910,848, plus strand): 5'-TTCTTAGGAAACAAATAGTATTCACAGCCTTTACATACCAGCAGAGCTCCACGGAGGTTA[A>G]TGCCAGTCTCTATGGTTACATAGTAGGAAGCCTGCAAAAATGTCCTTTGCAGAATAAGAG-3'
Protein context (NP_064693.2, residues 371-391): ASYYVTIETG[Ile381Thr]NLRGALLAMI

ClinVar aggregate classification (germline): Uncertain significance (1 of 4 stars; one submission).

Conditions:
Dilated cardiomyopathy 1O (CMD1O). Also called: CARDIOMYOPATHY, DILATED, WITH VENTRICULAR TACHYCARDIA. Identifiers: Orphanet 154, MedGen C1837839, MONDO:0012062, OMIM 608569.

Submission:

Labcorp Genetics (formerly Invitae), Labcorp
Classification: Uncertain significance for Dilated cardiomyopathy 1O. Last evaluated: 2024-01-05. Review status: criteria provided, single submitter. Criteria: Invitae Variant Classification Sherloc (09022015). Collection method: clinical testing. Allele origin: germline.
Comment: This sequence change replaces isoleucine, which is neutral and non-polar, with threonine, which is neutral and polar, at codon 381 of the ABCC9 protein (p.Ile381Thr). This variant is not present in population databases (gnomAD no frequency). This variant has not been reported in the literature in individuals affected with ABCC9-related conditions. Advanced modeling of protein sequence and biophysical properties (such as structural, functional, and spatial information, amino acid conservation, physicochemical variation, residue mobility, and thermodynamic stability) performed at Invitae indicates that this missense variant is expected to disrupt ABCC9 protein function with a positive predictive value of 95%. In summary, the available evidence is currently insufficient to determine the role of this variant in disease. Therefore, it has been classified as a Variant of Uncertain Significance.